The following is an entry in ClinVar:

NM_153365.3(TAPT1):c.1599C>T (p.Asp533=)

Gene: TAPT1 (transmembrane anterior posterior transformation 1; minus strand). Cytogenetic location: 4p15.32.
Variant type: single nucleotide variant.
Coding change: c.1599C>T on transcript NM_153365.3 (MANE Select); coding-DNA position 1599, C replaced by T.
Protein change: p.Asp533=; no amino-acid change (aspartic acid 533 retained).
Molecular consequence: synonymous variant.
Genome position (GRCh38, 1-based): chr4:16,163,413, G>A on the plus strand (C>T on the coding strand, the complement: TAPT1 is on the minus strand). VCF-style: chr4-16163413-G-A. GRCh37 (hg19) VCF-style: chr4-16165036-G-A.
Other names: p.Asp533=.
Identifiers: ClinVar variation 719092 (VCV000719092.25), dbSNP rs34007466, ClinGen allele CA2867244.

ClinVar aggregate classification (germline): Benign. Review status: criteria provided, multiple submitters, no conflicts (2 of 4 stars). 6 submissions from 6 submitters: Benign (5). 1 of the submissions does not count toward it. Last evaluated 2026-08-01.

Conditions:
TAPT1-related disorder. Also called: TAPT1-related condition.

Allele frequency attached by ClinVar (database versions not stated): 1000 Genomes Project 30x 0.00359; 1000 Genomes Project 0.00379; gnomAD 0.00693 and 0.00696; TOPMed 0.00719; ExAC 0.00783; ESP Exome Variant Server 0.00905.
gnomAD v4.1: 18,371 of 1,613,744 alleles (1.1%); highest among the groups gnomAD compares: Non-Finnish European, 1.4%; 152 homozygotes.

Submissions (6):

CeGaT Center for Human Genetics Tuebingen
Classification: Benign. Last evaluated: 2026-08-01. Review status: criteria provided, single submitter. Criteria: CeGaT Center For Human Genetics Tuebingen Variant Classification Criteria Version 2. Collection method: clinical testing. Allele origin: germline. Affected: yes. Observed: 3 variant alleles.
Comment: TAPT1: BP4, BP7, BS1, BS2

Labcorp Genetics (formerly Invitae), Labcorp
Classification: Benign. Last evaluated: 2026-02-01. Review status: criteria provided, single submitter. Criteria: Invitae Variant Classification Sherloc (09022015). Collection method: clinical testing. Allele origin: germline.

Mayo Clinic Laboratories, Mayo Clinic
Classification: Benign. Last evaluated: 2023-03-16. Review status: criteria provided, single submitter. Criteria: ACMG Guidelines, 2015. Collection method: clinical testing. Allele origin: germline. Observed: 3 variant alleles.
Comment: BS1, BS2, BP4, BP7

GeneDx
Classification: Benign. Last evaluated: 2020-10-15. Review status: criteria provided, single submitter. Criteria: GeneDx Variant Classification Process June 2021. Collection method: clinical testing. Allele origin: germline. Affected: yes.

Breakthrough Genomics
Classification: Benign. Review status: criteria provided, single submitter. Criteria: ACMG Guidelines, 2015. Collection method: not provided. Allele origin: germline. Inheritance: Autosomal recessive inheritance. Affected: yes.

PreventionGenetics, part of Exact Sciences
Classification: Benign for TAPT1-related condition. Last evaluated: 2019-03-19. Review status: no assertion criteria provided. Collection method: clinical testing. Allele origin: germline. Not counted in ClinVar's aggregate classification.
Comment: This variant is classified as benign based on ACMG/AMP sequence variant interpretation guidelines (Richards et al. 2015 PMID: 25741868, with internal and published modifications).